The following is an entry in ClinVar:

NM_001270974.2(HYDIN):c.97A>G (p.Ser33Gly)

Gene: HYDIN (HYDIN axonemal central pair apparatus protein; minus strand). Cytogenetic location: 16q22.2.
Variant type: single nucleotide variant.
Coding change: c.97A>G on transcript NM_001270974.2 (MANE Select); coding-DNA position 97, A replaced by G.
Protein change: p.Ser33Gly; replaces serine 33 with glycine.
Molecular consequence: missense variant.
Genome position (GRCh38, 1-based): chr16:71,186,799, T>C on the plus strand (A>G on the coding strand, the complement: HYDIN is on the minus strand). VCF-style: chr16-71186799-T-C. GRCh37 (hg19) VCF-style: chr16-71220702-T-C.
Other names: c.148A>G, p.Ser50Gly (NM_001198543.1); c.97A>G, p.Ser33Gly (NM_017558.5); c.178A>G, p.Ser60Gly (NM_001198542.1); short protein forms S33G, S50G, S60G.
Identifiers: ClinVar variation 2646798 (VCV002646798.24), dbSNP rs75357093, ClinGen allele CA8151698.

ClinVar aggregate classification (germline): Benign (1 of 4 stars; one submission).

Allele frequency attached by ClinVar (database versions not stated): ExAC 0.00621; 1000 Genomes Project 30x 0.01421; 1000 Genomes Project 0.01597; ESP Exome Variant Server 0.00038; gnomAD exomes 0.00298; gnomAD 0.00388; TOPMed 0.00514.
gnomAD v4.1: 4,958 of 1,613,530 alleles (0.31%); highest among the groups gnomAD compares: East Asian, 7.1%; 171 homozygotes.

Submission:

CeGaT Center for Human Genetics Tuebingen
Classification: Benign. Last evaluated: 2023-07-01. Review status: criteria provided, single submitter. Criteria: CeGaT Center For Human Genetics Tuebingen Variant Classification Criteria Version 2. Collection method: clinical testing. Allele origin: germline. Affected: yes. Observed: 1 variant allele.
Comment: HYDIN: BP4, BS1, BS2